The following is an entry in ClinVar:

NM_182972.3(IRF2BP2):c.67_75dup (p.Pro25_Trp26insArgMetPro)

Gene: IRF2BP2 (interferon regulatory factor 2 binding protein 2; minus strand). Cytogenetic location: 1q42.3.
Variant type: Duplication.
Coding change: c.67_75dup on transcript NM_182972.3 (MANE Select); coding-DNA positions 67 to 75, 9 bases duplicated (CGCATGCCC; older notation c.67_75dupCGCATGCCC).
Protein change: p.Pro25_Trp26insArgMetPro.
Genome position (GRCh38, 1-based): chr1:234,609,420-234,609,428, GGGCATGCG duplicated on the plus strand (CGCATGCCC on the coding strand, the reverse complement: IRF2BP2 is on the minus strand); duplicating any 9 consecutive bases within chr1:234,609,420-234,609,433 gives the same sequence; the c. name uses the placement nearest the transcript's 3' end. VCF-style (leftmost placement, unchanged base first): chr1-234609419-A-AGGGCATGCG. GRCh37 (hg19) VCF-style: chr1-234745165-A-AGGGCATGCG.
Other names: c.67_75dup, p.Pro25_Trp26insArgMetPro (NM_001077397.1).
Identifiers: ClinVar variation 3653160 (VCV003653160.2).

ClinVar aggregate classification (germline): Uncertain significance (1 of 4 stars; one submission).

Submission:

Labcorp Genetics (formerly Invitae), Labcorp
Classification: Uncertain significance. Last evaluated: 2024-05-12. Review status: criteria provided, single submitter. Criteria: Invitae Variant Classification Sherloc (09022015). Collection method: clinical testing. Allele origin: germline.
Comment: This variant, c.67_75dup, results in the insertion of 3 amino acid(s) of the IRF2BP2 protein (p.Arg23_Pro25dup), but otherwise preserves the integrity of the reading frame. This variant is not present in population databases (gnomAD no frequency). This variant has not been reported in the literature in individuals affected with IRF2BP2-related conditions. In summary, the available evidence is currently insufficient to determine the role of this variant in disease. Therefore, it has been classified as a Variant of Uncertain Significance.